The following is an entry in ClinVar:

NM_006035.4(CDC42BPB):c.1014G>T (p.Lys338Asn)

Gene: CDC42BPB (CDC42 binding protein kinase beta; minus strand). Cytogenetic location: 14q32.32.
Variant type: single nucleotide variant.
Coding change: c.1014G>T on transcript NM_006035.4 (MANE Select); coding-DNA position 1014, G replaced by T.
Protein change: p.Lys338Asn; replaces lysine 338 with asparagine.
Molecular consequence: missense variant.
Genome position (GRCh38, 1-based): chr14:102,980,899, C>A on the plus strand (G>T on the coding strand, the complement: CDC42BPB is on the minus strand). VCF-style: chr14-102980899-C-A. GRCh37 (hg19) VCF-style: chr14-103447236-C-A.
Other names: c.1014G>T, p.Lys338Asn (NM_001411054.1); short protein forms K338N.
Identifiers: ClinVar variation 5017107 (VCV005017107.1).
Genomic context (GRCh38, chr14:102,980,899, plus strand): 5'-AATATAAGGTGCTTCTAGGTTTCGTATATTTTCCCAATTTAGACCTTCAAAAAACGCATG[C>A]TTTTTGAAATCCTCTATTCCATTCTGCCCCAGCCGGCGTTCTCTACTGCAGATCAGTCTC-3'
Protein context (NP_006026.3, residues 328-348): LGQNGIEDFK[Lys338Asn]HAFFEGLNWE

ClinVar aggregate classification (germline): Uncertain significance (1 of 4 stars; one submission).

Submission:

GeneDx
Classification: Uncertain significance. Last evaluated: 2026-03-25. Review status: criteria provided, single submitter. Criteria: GeneDx Variant Classification Process June 2021. Collection method: clinical testing. Allele origin: germline.
Comment: Not observed at significant frequency in large population cohorts (gnomAD); In silico analysis suggests that this missense variant does not alter protein structure/function; Has not been previously published as pathogenic or benign to our knowledge